The following is an entry in ClinVar:

ClinVar aggregate classification (germline): Conflicting classifications of pathogenicity. Review status: criteria provided, conflicting classifications (1 of 4 stars). 8 submissions from 7 submitters: Uncertain significance (1); Benign (1); Likely benign (5). 1 of the submissions does not count toward it. Last evaluated 2026-01-12.

Conditions:
PTH1R-related disorder. Also called: PTH1R-related condition.
Inborn genetic diseases. Identifiers: MedGen C0950123, MeSH D030342.
Primary failure of tooth eruption. Also called: DENTAL NONERUPTION; PRIMARY RETENTION OF TEETH; POSTERIOR OPENBITE MALOCCLUSION, FAMILIAL; UNERUPTED SECOND PRIMARY MOLAR. Identifiers: Orphanet 412206, MedGen C1852222, MONDO:0007434, OMIM 125350.
Chondrodysplasia Blomstrand type (BOCD). Identifiers: Orphanet 50945, MedGen C1859148, MONDO:0008970, OMIM 215045.
Metaphyseal chondrodysplasia, Jansen type. Also called: Metaphyseal chondrodysplasia Murk Jansen type; PTH1R-Related Jansen Metaphyseal Chondrodysplasia. Identifiers: Orphanet 33067, MedGen C0265295, MONDO:0007982, OMIM 156400.
Eiken syndrome (EKNS). Also called: BONE MODELING DEFECT OF HANDS AND FEET. Identifiers: Orphanet 79106, MedGen C1838779, MONDO:0010803, OMIM 600002.

Allele frequency attached by ClinVar (database versions not stated): gnomAD exomes 0.00060; ExAC 0.00077; 1000 Genomes Project 30x 0.00219; 1000 Genomes Project 0.00220; gnomAD 0.00224 and 0.00237; ESP Exome Variant Server 0.00246; TOPMed 0.00258.

Submissions (8):

Labcorp Genetics (formerly Invitae), Labcorp
Classification: Likely benign. Last evaluated: 2026-01-12. Review status: criteria provided, single submitter. Criteria: Invitae Variant Classification Sherloc (09022015). Collection method: clinical testing. Allele origin: germline.

Ambry Genetics
Classification: Uncertain significance for Inborn genetic diseases. Last evaluated: 2024-12-12. Review status: criteria provided, single submitter. Criteria: Ambry Variant Classification Scheme 2023. Collection method: clinical testing. Allele origin: germline.

ARUP Laboratories, Molecular Genetics and Genomics, ARUP Laboratories
Classification: Likely benign. Last evaluated: 2023-05-02. Review status: criteria provided, single submitter. Criteria: ARUP Molecular Germline Variant Investigation Process 2024. Collection method: clinical testing. Allele origin: germline.

Fulgent Genetics
Classification: Likely benign for Primary failure of tooth eruption; Metaphyseal chondrodysplasia, Jansen type; Chondrodysplasia Blomstrand type; Eiken syndrome. Last evaluated: 2021-07-07. Review status: criteria provided, single submitter. Criteria: ACMG Guidelines, 2015. Collection method: clinical testing. Allele origin: unknown.

Illumina Laboratory Services, Illumina
Classification: Likely benign for Chondrodysplasia Blomstrand type. Last evaluated: 2018-01-13. Review status: criteria provided, single submitter. Criteria: ICSL Variant Classification Criteria 13 December 2019. Collection method: clinical testing. Allele origin: germline.
Comment: This variant was observed in the ICSL laboratory as part of a predisposition screen in an ostensibly healthy population. It had not been previously curated by ICSL or reported in the Human Gene Mutation Database (HGMD: prior to June 1st, 2018), and was therefore a candidate for classification through an automated scoring system. Utilizing variant allele frequency, disease prevalence and penetrance estimates, and inheritance mode, an automated score was calculated to assess if this variant is too frequent to cause the disease. Based on the score and internal cut-off values, a variant classified as likely benign is not then subjected to further curation. The score for this variant resulted in a classification of likely benign for this disease.

Illumina Laboratory Services, Illumina
Classification: Benign for Metaphyseal chondrodysplasia, Jansen type. Last evaluated: 2018-01-13. Review status: criteria provided, single submitter. Criteria: ICSL Variant Classification Criteria 13 December 2019. Collection method: clinical testing. Allele origin: germline.
Comment: This variant was observed in the ICSL laboratory as part of a predisposition screen in an ostensibly healthy population. It had not been previously curated by ICSL or reported in the Human Gene Mutation Database (HGMD: prior to June 1st, 2018), and was therefore a candidate for classification through an automated scoring system. Utilizing variant allele frequency, disease prevalence and penetrance estimates, and inheritance mode, an automated score was calculated to assess if this variant is too frequent to cause the disease. Based on the score and internal cut-off values, a variant classified as benign is not then subjected to further curation. The score for this variant resulted in a classification of benign for this disease.

Breakthrough Genomics
Classification: Likely benign. Review status: criteria provided, single submitter. Criteria: ACMG Guidelines, 2015. Collection method: not provided. Allele origin: germline. Inheritance: Autosomal recessive inheritance. Affected: yes.

PreventionGenetics, part of Exact Sciences
Classification: Benign for PTH1R-related condition. Last evaluated: 2019-06-02. Review status: no assertion criteria provided. Collection method: clinical testing. Allele origin: germline. Not counted in ClinVar's aggregate classification.
Comment: This variant is classified as benign based on ACMG/AMP sequence variant interpretation guidelines (Richards et al. 2015 PMID: 25741868, with internal and published modifications).

NM_000316.3(PTH1R):c.128G>A (p.Arg43His)

Gene: PTH1R (parathyroid hormone 1 receptor; plus strand). Cytogenetic location: 3p21.31.
Variant type: single nucleotide variant.
Coding change: c.128G>A on transcript NM_000316.3 (MANE Select); coding-DNA position 128, G replaced by A.
Protein change: p.Arg43His; replaces arginine 43 with histidine.
Molecular consequence: missense variant.
Genome position (GRCh38, 1-based): chr3:46,893,959, G>A. VCF-style: chr3-46893959-G-A. GRCh37 (hg19) VCF-style: chr3-46935449-G-A.
Other names: c.128G>A, p.Arg43His (NM_001184744.1); short protein forms R43H.
Identifiers: ClinVar variation 345577 (VCV000345577.18), dbSNP rs141466964, ClinGen allele CA2359084.